The following is an entry in ClinVar:

ClinVar aggregate classification (germline): Uncertain significance (1 of 4 stars; one submission).

Allele frequency attached by ClinVar (database versions not stated): gnomAD exomes 0.00001; ExAC 0.00002; gnomAD 0.00002; TOPMed 0.00002.
gnomAD v4.1: 17 of 1,613,914 alleles (0.0011%); highest among the groups gnomAD compares: Middle Eastern, 0.016%; no homozygotes.

Submission:

Labcorp Genetics (formerly Invitae), Labcorp
Classification: Uncertain significance. Last evaluated: 2022-08-16. Review status: criteria provided, single submitter. Criteria: Invitae Variant Classification Sherloc (09022015). Collection method: clinical testing. Allele origin: germline.
Comment: In summary, the available evidence is currently insufficient to determine the role of this variant in disease. Therefore, it has been classified as a Variant of Uncertain Significance. Algorithms developed to predict the effect of missense changes on protein structure and function are either unavailable or do not agree on the potential impact of this missense change (SIFT: "Deleterious"; PolyPhen-2: "Possibly Damaging"; Align-GVGD: "Class C0"). This variant has not been reported in the literature in individuals affected with KIAA1549-related conditions. This variant is present in population databases (rs749148217, gnomAD 0.003%). This sequence change replaces arginine, which is basic and polar, with tryptophan, which is neutral and slightly polar, at codon 170 of the KIAA1549 protein (p.Arg170Trp).

NM_001164665.2(KIAA1549):c.508C>T (p.Arg170Trp)

Gene: KIAA1549 (KIAA1549; minus strand). Cytogenetic location: 7q34.
Variant type: single nucleotide variant.
Coding change: c.508C>T on transcript NM_001164665.2 (MANE Select); coding-DNA position 508, C replaced by T.
Protein change: p.Arg170Trp; replaces arginine 170 with tryptophan.
Molecular consequence: missense variant.
Genome position (GRCh38, 1-based): chr7:138,919,118, G>A on the plus strand (C>T on the coding strand, the complement: KIAA1549 is on the minus strand). VCF-style: chr7-138919118-G-A. GRCh37 (hg19) VCF-style: chr7-138603864-G-A.
Other names: c.508C>T, p.Arg170Trp (NM_020910.3); short protein forms R170W.
Identifiers: ClinVar variation 1973062 (VCV001973062.5), dbSNP rs749148217, ClinGen allele CA4506933.